The following is an entry in ClinVar:

NM_001204.7(BMPR2):c.*7388C>T

Gene: BMPR2 (bone morphogenetic protein receptor type 2; plus strand). Cytogenetic location: 2q33.2.
Variant type: single nucleotide variant.
Coding change: c.*7388C>T on transcript NM_001204.7 (MANE Select); 7388 bases downstream of the stop codon, C replaced by T.
Molecular consequence: 3 prime UTR variant.
Genome position (GRCh38, 1-based): chr2:202,567,334, C>T. VCF-style: chr2-202567334-C-T. GRCh37 (hg19) VCF-style: chr2-203432057-C-T.
Identifiers: ClinVar variation 897582 (VCV000897582.4), dbSNP rs149345058, ClinGen allele CA64006768.
Genomic context (GRCh38, chr2:202,567,334, plus strand): 5'-ACTTCTGAGGATGCTTTTCCGGAAAAAGAAAGGCTAGAAAATACTCGCACTTCCTCAGAA[C>T]CCTCTTTCTTGTTAACGGGTATCTTTTGTTGGTGTGTTTTGCTCTTACATTACAGATAGA-3'

ClinVar aggregate classification (germline): Benign (1 of 4 stars; one submission).

Conditions:
Pulmonary hypertension, primary, 1 (PPH1). Also called: Pulmonary hypertension, familial primary, 1, with or without HHT. Identifiers: Orphanet 422, MedGen C4552070, MONDO:0024533, OMIM 178600.

Allele frequency attached by ClinVar (database versions not stated): gnomAD exomes 0.00234; 1000 Genomes Project 30x 0.00250; gnomAD 0.00462 and 0.00453; TOPMed 0.00444; 1000 Genomes Project 0.00220.
gnomAD v4.1: 697 of 152,738 alleles (0.46%); highest among the groups gnomAD compares: Non-Finnish European, 0.73%; 1 homozygote.

Submission:

Illumina Laboratory Services, Illumina
Classification: Benign for Pulmonary hypertension, primary, 1. Last evaluated: 2018-01-13. Review status: criteria provided, single submitter. Criteria: ICSL Variant Classification Criteria 13 December 2019. Collection method: clinical testing. Allele origin: germline.
Comment: This variant was observed in the ICSL laboratory as part of a predisposition screen in an ostensibly healthy population. It had not been previously curated by ICSL or reported in the Human Gene Mutation Database (HGMD: prior to June 1st, 2018), and was therefore a candidate for classification through an automated scoring system. Utilizing variant allele frequency, disease prevalence and penetrance estimates, and inheritance mode, an automated score was calculated to assess if this variant is too frequent to cause the disease. Based on the score and internal cut-off values, a variant classified as benign is not then subjected to further curation. The score for this variant resulted in a classification of benign for this disease.